The following is an entry in ClinVar:

ClinVar aggregate classification (germline): Uncertain significance. Review status: criteria provided, multiple submitters, no conflicts (2 of 4 stars). 3 submissions from 3 submitters: Uncertain significance (2). 1 of the submissions does not count toward it. Last evaluated 2024-02-19.

Conditions:
TNF receptor-associated periodic fever syndrome (TRAPS) (FPF). Also called: Autosomal Dominant Familial Periodic Fever; TNF RECEPTOR-ASSOCIATED PERIODIC SYNDROME; TUMOR NECROSIS FACTOR RECEPTOR-ASSOCIATED PERIODIC SYNDROME; TNF Receptor-Associated Periodic Fever Syndrome; FAMILIAL HIBERNIAN FEVER; TNF receptor 1-associated periodic fever syndrome. Identifiers: Orphanet 32960, MedGen C1275126, MONDO:0007727, OMIM 142680.

Allele frequency attached by ClinVar (database versions not stated): gnomAD exomes 0.00001 and below 0.00001.
gnomAD v4.1: 4 of 1,578,526 alleles (0.00025%); no homozygotes.

Submissions (3):

Labcorp Genetics (formerly Invitae), Labcorp
Classification: Uncertain significance for TNF receptor-associated periodic fever syndrome (TRAPS). Last evaluated: 2024-02-19. Review status: criteria provided, single submitter. Criteria: Invitae Variant Classification Sherloc (09022015). Collection method: clinical testing. Allele origin: germline.
Comment: This sequence change replaces histidine, which is basic and polar, with tyrosine, which is neutral and polar, at codon 95 of the TNFRSF1A protein (p.His95Tyr). The frequency data for this variant in the population databases is considered unreliable, as metrics indicate poor data quality at this position in the gnomAD database. This variant has not been reported in the literature in individuals affected with TNFRSF1A-related conditions. ClinVar contains an entry for this variant (Variation ID: 97682). Algorithms developed to predict the effect of missense changes on protein structure and function output the following: SIFT: "Not Available"; PolyPhen-2: "Benign"; Align-GVGD: "Not Available". The tyrosine amino acid residue is found in multiple mammalian species, which suggests that this missense change does not adversely affect protein function. In summary, the available evidence is currently insufficient to determine the role of this variant in disease. Therefore, it has been classified as a Variant of Uncertain Significance.

Mayo Clinic Laboratories, Mayo Clinic
Classification: Uncertain significance. Last evaluated: 2022-06-08. Review status: criteria provided, single submitter. Criteria: ACMG Guidelines, 2015. Collection method: clinical testing. Allele origin: germline. Observed: 1 variant allele.
Comment: PM2_supporting, PS4_supporting

Unité médicale des maladies autoinflammatoires, CHRU Montpellier
No classification provided. Condition: TNF receptor-associated periodic fever syndrome (TRAPS). Review status: no classification provided. Collection method: not provided. Allele origin: unknown. Not counted in ClinVar's aggregate classification.

NM_001065.4(TNFRSF1A):c.283C>T (p.His95Tyr)

Gene: TNFRSF1A (TNF receptor superfamily member 1A; minus strand). Cytogenetic location: 12p13.31.
Variant type: single nucleotide variant.
Coding change: c.283C>T on transcript NM_001065.4 (MANE Select); coding-DNA position 283, C replaced by T.
Protein change: p.His95Tyr; replaces histidine 95 with tyrosine.
Molecular consequence: missense variant. On other transcripts: 5 prime UTR variant (2), non-coding transcript variant (1).
Genome position (GRCh38, 1-based): chr12:6,333,776, G>A on the plus strand (C>T on the coding strand, the complement: TNFRSF1A is on the minus strand). VCF-style: chr12-6333776-G-A. GRCh37 (hg19) VCF-style: chr12-6442942-G-A.
Other names: p.His95Tyr; c.-42C>T (NM_001346091.2); c.-295C>T (NM_001346092.2); c.283C>T (NM_001065.3); short protein forms H95Y.
Identifiers: ClinVar variation 97682 (VCV000097682.7), dbSNP rs104895290, ClinGen allele CA280803.